The following is an entry in ClinVar:

NM_001017980.4(VMA21):c.-10C>T

Gene: VMA21 (vacuolar ATPase assembly factor VMA21; plus strand). Cytogenetic location: Xq28.
Variant type: single nucleotide variant.
Coding change: c.-10C>T on transcript NM_001017980.4 (MANE Select); 10 bases upstream of the start codon, C replaced by T.
Molecular consequence: 5 prime UTR variant. On other transcripts: intron variant (1).
Genome position (GRCh38, 1-based): chrX:151,397,299, C>T. VCF-style: chrX-151397299-C-T. GRCh37 (hg19) VCF-style: chrX-150565771-C-T.
Other names: c.218+242C>T (NM_001363810.1).
Identifiers: ClinVar variation 4755720 (VCV004755720.1).

ClinVar aggregate classification (germline): Uncertain significance (1 of 4 stars; one submission).

Submission:

GeneDx
Classification: Uncertain significance. Last evaluated: 2025-08-07. Review status: criteria provided, single submitter. Criteria: GeneDx Variant Classification Process June 2021. Collection method: clinical testing. Allele origin: germline. Affected: yes.
Comment: Located in a regulatory region; functional study performed in patient fibroblasts suggests that c.-10 C>T disrupts V-ATPase function leading to lysosomal impairment, lipid dysregulation, and ER stress (PMID: 32145091); Not observed at significant frequency in large population cohorts (gnomAD); Nucleotide is not conserved across species and the substitution has no predicted effect on splicing; This variant is associated with the following publications: (PMID: 32145091)